The following is an entry in ClinVar:

ClinVar aggregate classification (germline): Uncertain significance (1 of 4 stars; one submission).

gnomAD v4.1: 38 of 1,613,970 alleles (0.0024%); highest among the groups gnomAD compares: Non-Finnish European, 0.0029%; no homozygotes.

Submission:

Labcorp Genetics (formerly Invitae), Labcorp
Classification: Uncertain significance. Last evaluated: 2025-11-25. Review status: criteria provided, single submitter. Criteria: Invitae Variant Classification Sherloc (09022015). Collection method: clinical testing. Allele origin: germline.
Comment: This sequence change replaces proline, which is neutral and non-polar, with serine, which is neutral and polar, at codon 466 of the RUNX2 protein (p.Pro466Ser). This variant is present in population databases (rs751811026, gnomAD 0.003%). This variant has not been reported in the literature in individuals affected with RUNX2-related conditions. Invitae Evidence Modeling of protein sequence and biophysical properties (such as structural, functional, and spatial information, amino acid conservation, physicochemical variation, residue mobility, and thermodynamic stability) indicates that this missense variant is not expected to disrupt RUNX2 protein function with a negative predictive value of 80%. In summary, the available evidence is currently insufficient to determine the role of this variant in disease. Therefore, it has been classified as a Variant of Uncertain Significance.

NM_001024630.4(RUNX2):c.1396C>T (p.Pro466Ser)

Gene: RUNX2 (RUNX family transcription factor 2; plus strand). Cytogenetic location: 6p21.1.
Variant type: single nucleotide variant.
Coding change: c.1396C>T on transcript NM_001024630.4 (MANE Select); coding-DNA position 1396, C replaced by T.
Protein change: p.Pro466Ser; replaces proline 466 with serine.
Molecular consequence: missense variant.
Genome position (GRCh38, 1-based): chr6:45,547,135, C>T. VCF-style: chr6-45547135-C-T. GRCh37 (hg19) VCF-style: chr6-45514872-C-T.
Other names: c.1330C>T, p.Pro444Ser (NM_001015051.4); c.1288C>T, p.Pro430Ser (NM_001278478.2); c.1354C>T, p.Pro452Ser (NM_001369405.1); short protein forms P444S, P466S, P430S, P452S.
Identifiers: ClinVar variation 4693944 (VCV004693944.1).